The following is an entry in ClinVar:

NM_000059.4(BRCA2):c.2260C>G (p.Gln754Glu)

Gene: BRCA2 (BRCA2 DNA repair associated; plus strand). Cytogenetic location: 13q13.1.
Variant type: single nucleotide variant.
Coding change: c.2260C>G on transcript NM_000059.4 (MANE Select); coding-DNA position 2260, C replaced by G.
Protein change: p.Gln754Glu; replaces glutamine 754 with glutamic acid.
Molecular consequence: missense variant.
Genome position (GRCh38, 1-based): chr13:32,336,615, C>G. VCF-style: chr13-32336615-C-G. GRCh37 (hg19) VCF-style: chr13-32910752-C-G.
Other names: short protein forms Q754E.
Identifiers: ClinVar variation 966739 (VCV000966739.15), dbSNP rs80358496, ClinGen allele CA387770998.

ClinVar aggregate classification (germline): Conflicting classifications of pathogenicity. Review status: criteria provided, conflicting classifications (1 of 4 stars). 4 submissions from 4 submitters: Uncertain significance (1); Likely benign (3). Last evaluated 2025-01-29.

Conditions:
Hereditary cancer-predisposing syndrome. Also called: Hereditary neoplastic syndrome; Hereditary Cancer Syndrome; Tumor predisposition; Neoplastic Syndromes, Hereditary. Identifiers: Orphanet 140162, MedGen C0027672, MeSH D009386, MONDO:0015356.
Hereditary breast ovarian cancer syndrome. Also called: BRCA1- and BRCA2-Associated Hereditary Breast and Ovarian Cancer; Hereditary breast and/or ovarian cancer syndrome; Hereditary breast and ovarian cancer syndrome; Hereditary breast and ovarian cancer; Hereditary breast and ovarian cancer syndrome (HBOC); Breast and ovarian cancer. Identifiers: Orphanet 145, MedGen C0677776, MeSH D061325, MONDO:0003582. Disease mechanism: loss of function.
Breast-ovarian cancer, familial, susceptibility to, 2 (BROVCA2). Also called: BRCA2 Hereditary Breast and Ovarian Cancer. Identifiers: Orphanet 145, MedGen C2675520, MONDO:0012933, OMIM 612555. Disease mechanism: loss of function.

Allele frequency attached by ClinVar (database versions not stated): gnomAD exomes below 0.00001.
gnomAD v4.1: 1 of 1,614,048 alleles (0.000062%); highest among the groups gnomAD compares: Non-Finnish European, 0.000085%; no homozygotes.

Submissions (4):

Ambry Genetics
Classification: Likely benign for Hereditary cancer-predisposing syndrome. Last evaluated: 2025-01-29. Review status: criteria provided, single submitter. Criteria: Ambry Variant Classification Scheme 2023. Collection method: clinical testing. Allele origin: germline.

Molecular Pathology, Peter Maccallum Cancer Centre
Classification: Likely benign for Breast-ovarian cancer, familial, susceptibility to, 2. Last evaluated: 2024-05-26. Review status: criteria provided, single submitter. Criteria: ACMG Guidelines, 2015. Collection method: clinical testing. Allele origin: germline. Inheritance: Autosomal dominant inheritance.

Labcorp Genetics (formerly Invitae), Labcorp
Classification: Uncertain significance for Hereditary breast ovarian cancer syndrome. Last evaluated: 2023-05-05. Review status: criteria provided, single submitter. Criteria: Invitae Variant Classification Sherloc (09022015). Collection method: clinical testing. Allele origin: germline.
Comment: This variant is not present in population databases (gnomAD no frequency). This missense change has been observed in individual(s) with clinical features of BRCA2-related conditions (PMID: 21520333). ClinVar contains an entry for this variant (Variation ID: 966739). Advanced modeling of protein sequence and biophysical properties (such as structural, functional, and spatial information, amino acid conservation, physicochemical variation, residue mobility, and thermodynamic stability) performed at Invitae indicates that this missense variant is not expected to disrupt BRCA2 protein function. In summary, the available evidence is currently insufficient to determine the role of this variant in disease. Therefore, it has been classified as a Variant of Uncertain Significance. This sequence change replaces glutamine, which is neutral and polar, with glutamic acid, which is acidic and polar, at codon 754 of the BRCA2 protein (p.Gln754Glu).

University of Washington Department of Laboratory Medicine, University of Washington
Classification: Likely benign for Hereditary cancer-predisposing syndrome. Last evaluated: 2023-03-23. Review status: criteria provided, single submitter. Criteria: Dines et al. (Genet Med. 2020). Collection method: curation. Allele origin: germline.
Comment: Missense variant in a coldspot region where missense variants are very unlikely to be pathogenic (PMID:31911673).

BRCA2 exon 11 coldspot. Reclassification based on statistical prior probability.

Literature cited by the submitters: PubMed 26580448 (cited by Ambry Genetics); PubMed 30287823 (cited by Ambry Genetics); PubMed 21520333 (cited by Labcorp Genetics (formerly Invitae), Labcorp).